The following is an entry in ClinVar:

NM_002199.4(IRF2):c.59C>T (p.Thr20Met)

Gene: IRF2 (interferon regulatory factor 2; minus strand). Cytogenetic location: 4q35.1.
Variant type: single nucleotide variant.
Coding change: c.59C>T on transcript NM_002199.4 (MANE Select); coding-DNA position 59, C replaced by T.
Protein change: p.Thr20Met; replaces threonine 20 with methionine.
Molecular consequence: missense variant.
Genome position (GRCh38, 1-based): chr4:184,429,006, G>A on the plus strand (C>T on the coding strand, the complement: IRF2 is on the minus strand). VCF-style: chr4-184429006-G-A. GRCh37 (hg19) VCF-style: chr4-185350160-G-A.
Other names: short protein forms T20M.
Identifiers: ClinVar variation 4981584 (VCV004981584.1).

ClinVar aggregate classification (germline): Likely benign (1 of 4 stars; one submission).

Conditions:
IRF2-related condition.

gnomAD v4.1: 324 of 1,614,124 alleles (0.02%); highest among the groups gnomAD compares: African/African-American, 0.36%; no homozygotes.

Submission:

PreventionGenetics, part of Exact Sciences
Classification: Likely benign for IRF2-related condition. Last evaluated: 2026-02-19. Review status: criteria provided, single submitter. Criteria: ACMG Guidelines, 2015. Collection method: clinical testing. Allele origin: germline.
Comment: This variant is classified as likely benign based on ACMG/AMP sequence variant interpretation guidelines (Richards et al. 2015 PMID: 25741868, with internal and published modifications).